The following is an entry in ClinVar:

NM_001040108.2(MLH3):c.1253A>G (p.Glu418Gly)

Gene: MLH3 (mutL homolog 3; minus strand). Cytogenetic location: 14q24.3.
Variant type: single nucleotide variant.
Coding change: c.1253A>G on transcript NM_001040108.2 (MANE Select); coding-DNA position 1253, A replaced by G.
Protein change: p.Glu418Gly; replaces glutamic acid 418 with glycine.
Molecular consequence: missense variant.
Genome position (GRCh38, 1-based): chr14:75,048,403, T>C on the plus strand (A>G on the coding strand, the complement: MLH3 is on the minus strand). VCF-style: chr14-75048403-T-C. GRCh37 (hg19) VCF-style: chr14-75515106-T-C.
Other names: c.1253A>G, p.Glu418Gly (NM_014381.3); short protein forms E418G.
Identifiers: ClinVar variation 838657 (VCV000838657.12), dbSNP rs916665768, ClinGen allele CA390446809.

ClinVar aggregate classification (germline): Uncertain significance. Review status: criteria provided, multiple submitters, no conflicts (2 of 4 stars). 2 submissions from 2 submitters: Uncertain significance (2). Last evaluated 2025-06-16.

Conditions:
Colorectal cancer, hereditary nonpolyposis, type 7. Identifiers: Orphanet 144, MedGen C1858380, MONDO:0013725, OMIM 614385.

Allele frequency attached by ClinVar (database versions not stated): gnomAD exomes below 0.00001.
gnomAD v4.1: 1 of 1,608,160 alleles (0.000062%); highest among the groups gnomAD compares: Non-Finnish European, 0.000085%; no homozygotes.

Submissions (2):

Ambry Genetics
Classification: Uncertain significance. Last evaluated: 2025-06-16. Review status: criteria provided, single submitter. Criteria: Ambry Variant Classification Scheme 2023. Collection method: clinical testing. Allele origin: germline.
Comment: The p.E418G variant (also known as c.1253A>G), located in coding exon 1 of the MLH3 gene, results from an A to G substitution at nucleotide position 1253. The glutamic acid at codon 418 is replaced by glycine, an amino acid with similar properties. This amino acid position is well conserved in available vertebrate species; however, glycine is the reference amino acid in other vertebrate species. In addition, this alteration is predicted to be tolerated by in silico analysis. The evidence for this gene-disease relationship is limited; therefore, the clinical significance of this alteration is unclear.

Labcorp Genetics (formerly Invitae), Labcorp
Classification: Uncertain significance for Colorectal cancer, hereditary nonpolyposis, type 7. Last evaluated: 2019-05-28. Review status: criteria provided, single submitter. Criteria: Invitae Variant Classification Sherloc (09022015). Collection method: clinical testing. Allele origin: germline.
Comment: In summary, the available evidence is currently insufficient to determine the role of this variant in disease. Therefore, it has been classified as a Variant of Uncertain Significance. Algorithms developed to predict the effect of missense changes on protein structure and function (SIFT, PolyPhen-2, Align-GVGD) all suggest that this variant is likely to be tolerated, but these predictions have not been confirmed by published functional studies and their clinical significance is uncertain. This variant has not been reported in the literature in individuals with MLH3-related conditions. This variant is not present in population databases (ExAC no frequency). This sequence change replaces glutamic acid with glycine at codon 418 of the MLH3 protein (p.Glu418Gly). The glutamic acid residue is weakly conserved and there is a moderate physicochemical difference between glutamic acid and glycine.